The following is an entry in ClinVar:

NM_001854.4(COL11A1):c.3445C>T (p.Pro1149Ser)

Gene: COL11A1 (collagen type XI alpha 1 chain; minus strand). Cytogenetic location: 1p21.1.
Variant type: single nucleotide variant.
Coding change: c.3445C>T on transcript NM_001854.4 (MANE Select); coding-DNA position 3445, C replaced by T.
Protein change: p.Pro1149Ser; replaces proline 1149 with serine.
Molecular consequence: missense variant. On other transcripts: non-coding transcript variant (1).
Genome position (GRCh38, 1-based): chr1:102,935,107, G>A on the plus strand (C>T on the coding strand, the complement: COL11A1 is on the minus strand). VCF-style: chr1-102935107-G-A. GRCh37 (hg19) VCF-style: chr1-103400663-G-A.
Other names: c.3328C>T, p.Pro1110Ser (NM_001190709.2); c.3481C>T, p.Pro1161Ser (NM_080629.3); c.3097C>T, p.Pro1033Ser (NM_080630.4); short protein forms P1110S, P1149S, P1033S, P1161S.
Identifiers: ClinVar variation 3718732 (VCV003718732.2).

ClinVar aggregate classification (germline): Uncertain significance (1 of 4 stars; one submission).

gnomAD v4.1: 1 of 1,613,986 alleles (0.000062%); highest among the groups gnomAD compares: Admixed American, 0.0017%; no homozygotes.

Submission:

Labcorp Genetics (formerly Invitae), Labcorp
Classification: Uncertain significance. Last evaluated: 2025-12-12. Review status: criteria provided, single submitter. Criteria: Invitae Variant Classification Sherloc (09022015). Collection method: clinical testing. Allele origin: germline.
Comment: This sequence change replaces proline, which is neutral and non-polar, with serine, which is neutral and polar, at codon 1149 of the COL11A1 protein (p.Pro1149Ser). This variant is present in population databases (rs758705318, gnomAD 0.006%). This variant has not been reported in the literature in individuals affected with COL11A1-related conditions. ClinVar contains an entry for this variant (Variation ID: 3718732). Invitae Evidence Modeling of protein sequence and biophysical properties (such as structural, functional, and spatial information, amino acid conservation, physicochemical variation, residue mobility, and thermodynamic stability) indicates that this missense variant is not expected to disrupt COL11A1 protein function with a negative predictive value of 80%. In summary, the available evidence is currently insufficient to determine the role of this variant in disease. Therefore, it has been classified as a Variant of Uncertain Significance.